The following is an entry in ClinVar:

ClinVar aggregate classification (germline): Likely pathogenic (1 of 4 stars; one submission).

Submission:

Labcorp Genetics (formerly Invitae), Labcorp
Classification: Likely pathogenic. Last evaluated: 2025-12-19. Review status: criteria provided, single submitter. Criteria: Invitae Variant Classification Sherloc (09022015). Collection method: clinical testing. Allele origin: germline.
Comment: This sequence change affects a donor splice site in intron 16 of the KIF14 gene. It is expected to disrupt RNA splicing. Variants that disrupt the donor or acceptor splice site typically lead to a loss of protein function (PMID: 16199547), and loss-of-function variants in KIF14 are known to be pathogenic (PMID: 23308235, 29343805, 30388224). This variant is not present in population databases (gnomAD no frequency). This variant has not been reported in the literature in individuals affected with KIF14-related conditions. Algorithms developed to predict the effect of sequence changes on RNA splicing suggest that this variant may disrupt the consensus splice site. In summary, the currently available evidence indicates that the variant is pathogenic, but additional data are needed to prove that conclusively. Therefore, this variant has been classified as Likely Pathogenic.

Literature cited by the submitters: PubMed 16199547; PubMed 23308235; PubMed 29343805; PubMed 30388224.

NM_014875.3(KIF14):c.2813+1G>C

Gene: KIF14 (kinesin family member 14; minus strand). Cytogenetic location: 1q32.1.
Variant type: single nucleotide variant.
Coding change: c.2813+1G>C on transcript NM_014875.3 (MANE Select); the canonical splice donor site of the intron after coding-DNA position 2813, G replaced by C.
Molecular consequence: splice donor variant.
Genome position (GRCh38, 1-based): chr1:200,592,079, C>G on the plus strand (G>C on the coding strand, the complement: KIF14 is on the minus strand). VCF-style: chr1-200592079-C-G. GRCh37 (hg19) VCF-style: chr1-200561207-C-G.
Other names: c.1340+1G>C (NM_001305792.1).
Identifiers: ClinVar variation 4733235 (VCV004733235.1).